The following is an entry in ClinVar:

NM_003482.4(KMT2D):c.5083+6G>A

Gene: KMT2D (lysine methyltransferase 2D; minus strand). Cytogenetic location: 12q13.12.
Variant type: single nucleotide variant.
Coding change: c.5083+6G>A on transcript NM_003482.4 (MANE Select); 6 bases into the intron after coding-DNA position 5083, G replaced by A.
Molecular consequence: intron variant.
Genome position (GRCh38, 1-based): chr12:49,044,397, C>T on the plus strand (G>A on the coding strand, the complement: KMT2D is on the minus strand). VCF-style: chr12-49044397-C-T. GRCh37 (hg19) VCF-style: chr12-49438180-C-T.
Identifiers: ClinVar variation 4771095 (VCV004771095.1).

ClinVar aggregate classification (germline): Uncertain significance (1 of 4 stars; one submission).

Conditions:
Kabuki syndrome. Also called: NIIKAWA-KUROKI SYNDROME; Kabuki make-up syndrome. Identifiers: Orphanet 2322, MedGen C0796004, MONDO:0016512.

Submission:

Labcorp Genetics (formerly Invitae), Labcorp
Classification: Uncertain significance for Kabuki syndrome. Last evaluated: 2025-07-28. Review status: criteria provided, single submitter. Criteria: Invitae Variant Classification Sherloc (09022015). Collection method: clinical testing. Allele origin: germline.
Comment: This sequence change falls in intron 20 of the KMT2D gene. It does not directly change the encoded amino acid sequence of the KMT2D protein. It affects a nucleotide within the consensus splice site. This variant is not present in population databases (gnomAD no frequency). This variant has not been reported in the literature in individuals affected with KMT2D-related conditions. Variants that disrupt the consensus splice site are a relatively common cause of aberrant splicing (PMID: 17576681, 9536098). Algorithms developed to predict the effect of sequence changes on RNA splicing suggest that this variant is not likely to affect RNA splicing. In summary, the available evidence is currently insufficient to determine the role of this variant in disease. Therefore, it has been classified as a Variant of Uncertain Significance.

Literature cited by the submitters: PubMed 17576681; PubMed 9536098.